The following is an entry in ClinVar:

ClinVar aggregate classification (germline): Conflicting classifications of pathogenicity. Review status: criteria provided, conflicting classifications (1 of 4 stars). 2 submissions from 2 submitters: Uncertain significance (1); Likely benign (1). Last evaluated 2024-12-01.

Conditions:
Neuropathy, hereditary sensory, type 2C. Also called: Hereditary sensory and autonomic neuropathy type IIC; KIF1A-Related HSAN2 (HSAN2C). Identifiers: Orphanet 970, MedGen C3280168, MONDO:0013634, OMIM 614213.
Intellectual disability, autosomal dominant 9 (NESCAVS). Also called: KIF1A-Related Neurodevelopmental Disorder; NESCAV SYNDROME. Identifiers: Orphanet 662367, MedGen C5393830, MONDO:0013656, OMIM 614255.
Hereditary spastic paraplegia 30. Identifiers: Orphanet 101010, MedGen C5235139, MONDO:0012476.

Allele frequency attached by ClinVar (database versions not stated): gnomAD exomes below 0.00001.
gnomAD v4.1: 4 of 1,579,666 alleles (0.00025%); highest among the groups gnomAD compares: Middle Eastern, 0.017%; no homozygotes.

Submissions (2):

CeGaT Center for Human Genetics Tuebingen
Classification: Uncertain significance. Last evaluated: 2024-12-01. Review status: criteria provided, single submitter. Criteria: CeGaT Center For Human Genetics Tuebingen Variant Classification Criteria Version 2. Collection method: clinical testing. Allele origin: germline. Affected: yes. Observed: 1 variant allele.
Comment: KIF1A: PM2

Labcorp Genetics (formerly Invitae), Labcorp
Classification: Likely benign for Hereditary spastic paraplegia 30; Neuropathy, hereditary sensory, type 2C; Intellectual disability, autosomal dominant 9. Last evaluated: 2023-08-17. Review status: criteria provided, single submitter. Criteria: Invitae Variant Classification Sherloc (09022015). Collection method: clinical testing. Allele origin: germline.

NM_001244008.2(KIF1A):c.5018T>C (p.Val1673Ala)

Gene: KIF1A (kinesin family member 1A; minus strand). Cytogenetic location: 2q37.3.
Variant type: single nucleotide variant.
Coding change: c.5018T>C on transcript NM_001244008.2 (MANE Select); coding-DNA position 5018, T replaced by C.
Protein change: p.Val1673Ala; replaces valine 1673 with alanine.
Molecular consequence: missense variant.
Genome position (GRCh38, 1-based): chr2:240,719,777, A>G on the plus strand (T>C on the coding strand, the complement: KIF1A is on the minus strand). VCF-style: chr2-240719777-A-G. GRCh37 (hg19) VCF-style: chr2-241659194-A-G.
Other names: c.4742T>C, p.Val1581Ala (NM_001320705.2, NM_001379649.1); c.4769T>C, p.Val1590Ala (NM_001330289.2); c.4817T>C, p.Val1606Ala (NM_001330290.2, NM_001379648.1); c.5093T>C, p.Val1698Ala (NM_001379631.1); c.4994T>C, p.Val1665Ala (NM_001379632.1); c.4991T>C, p.Val1664Ala (NM_001379633.1, NM_001379645.1); c.4844T>C, p.Val1615Ala (NM_001379634.1); c.4841T>C, p.Val1614Ala (NM_001379635.1, NM_001379646.1); and 7 more; short protein forms V1572A, V1580A, V1581A, V1590A, V1664A, V1589A, V1610A, V1698A.
Identifiers: ClinVar variation 2951081 (VCV002951081.16), dbSNP rs1423611277, ClinGen allele CA351299843.